The following is an entry in ClinVar:

ClinVar aggregate classification (germline): Uncertain significance (1 of 4 stars; one submission).

Submission:

Labcorp Genetics (formerly Invitae), Labcorp
Classification: Uncertain significance. Last evaluated: 2022-09-13. Review status: criteria provided, single submitter. Criteria: Invitae Variant Classification Sherloc (09022015). Collection method: clinical testing. Allele origin: germline.
Comment: This sequence change replaces valine, which is neutral and non-polar, with isoleucine, which is neutral and non-polar, at codon 2386 of the USH2A protein (p.Val2386Ile). This variant is not present in population databases (gnomAD no frequency). This variant has not been reported in the literature in individuals affected with USH2A-related conditions. Advanced modeling of protein sequence and biophysical properties (such as structural, functional, and spatial information, amino acid conservation, physicochemical variation, residue mobility, and thermodynamic stability) performed at Invitae indicates that this missense variant is not expected to disrupt USH2A protein function. In summary, the available evidence is currently insufficient to determine the role of this variant in disease. Therefore, it has been classified as a Variant of Uncertain Significance.

NM_206933.4(USH2A):c.7156G>A (p.Val2386Ile)

Gene: USH2A (usherin; minus strand). Cytogenetic location: 1q41.
Variant type: single nucleotide variant.
Coding change: c.7156G>A on transcript NM_206933.4 (MANE Select); coding-DNA position 7156, G replaced by A.
Protein change: p.Val2386Ile; replaces valine 2386 with isoleucine.
Molecular consequence: missense variant.
Genome position (GRCh38, 1-based): chr1:215,934,760, C>T on the plus strand (G>A on the coding strand, the complement: USH2A is on the minus strand). VCF-style: chr1-215934760-C-T. GRCh37 (hg19) VCF-style: chr1-216108102-C-T.
Other names: short protein forms V2386I.
Identifiers: ClinVar variation 1942289 (VCV001942289.5), dbSNP rs199825458, ClinGen allele CA344857947.
Genomic context (GRCh38, chr1:215,934,760, plus strand): 5'-TAAAAGGAACCAGCCCATCGATGAGCACCCAAAGGTTTGTCTCTTCTCCGCTGTACATGA[C>T]TTTTGTGACATTCAGAAGGGTGTAGTTATTACCTACTGATTAAAAAAGAAAATTATTAAA-3'
Protein context (NP_996816.3, residues 2376-2396): NNYTLLNVTK[Val2386Ile]MYSGEETNLW